The following is an entry in ClinVar:

ClinVar aggregate classification (germline): Pathogenic/Likely pathogenic. Review status: criteria provided, multiple submitters, no conflicts (2 of 4 stars). 2 submissions from 2 submitters: Pathogenic (1); Likely pathogenic (1). Last evaluated 2018-09-27.

Conditions:
Treacher Collins syndrome 1 (TCS1). Also called: TCOF1-Related Treacher Collins Syndrome. Identifiers: Orphanet 861, MedGen CN315775, MONDO:0007944, OMIM 154500.

Submissions (2):

Labcorp Genetics (formerly Invitae), Labcorp
Classification: Pathogenic for Treacher Collins syndrome 1. Last evaluated: 2018-09-27. Review status: criteria provided, single submitter. Criteria: Invitae Variant Classification Sherloc (09022015). Collection method: clinical testing. Allele origin: germline.
Comment: For these reasons, this variant has been classified as Pathogenic. Algorithms developed to predict the effect of missense changes on protein structure and function are either unavailable or do not agree on the potential impact of this missense change (SIFT: "Deleterious"; PolyPhen-2: "Possibly Damaging"; Align-GVGD: "Class C0"). This variant has been observed to be de novo in individuals affected with Treacher Collins syndrome (PMID: 22317976, Invitae). ClinVar contains an entry for this variant (Variation ID: 381618). This variant is not present in population databases (ExAC no frequency). This sequence change replaces histidine with arginine at codon 17 of the TCOF1 protein (p.His17Arg). The histidine residue is highly conserved and there is a small physicochemical difference between histidine and arginine.

GeneDx
Classification: Likely pathogenic. Last evaluated: 2016-03-14. Review status: criteria provided, single submitter. Criteria: GeneDx Variant Classification (06012015). Collection method: clinical testing. Allele origin: germline. Affected: yes.
Comment: The H17R variant in the TCOF1 gene has been reported previously as an assumed de novo variant in a patient with a clinical diagnosis of Treacher Collins syndrome (Bowman et al., 2012). The H17R variant was not observed in approximately 5200 individuals of European and African American ancestry in the NHLBI Exome Sequencing Project, indicating it is not a common benign variant in these populations. The H17R variant is a conservative amino acid substitution, which occurs at a position that is conserved across species. In silico analysis is inconsistent in its predictions as to whether or not the variant is damaging to the protein structure/function. The H17R variant is a strong candidate for a pathogenic variant, however the possibility it may be a rare benign variant cannot be excluded.

Literature cited by the submitters: PubMed 22317976 (cited by Labcorp Genetics (formerly Invitae), Labcorp).

NM_001371623.1(TCOF1):c.50A>G (p.His17Arg)

Genes: TCOF1 (treacle ribosome biogenesis factor 1; plus strand), LOC129994985 (ATAC-STARR-seq lymphoblastoid silent region 16507; plus strand). Cytogenetic location: 5q32.
Variant type: single nucleotide variant.
Coding change: c.50A>G on transcript NM_001371623.1 (MANE Select); coding-DNA position 50, A replaced by G.
Protein change: p.His17Arg; replaces histidine 17 with arginine.
Molecular consequence: missense variant.
Genome position (GRCh38, 1-based): chr5:150,357,796, A>G. VCF-style: chr5-150357796-A-G. GRCh37 (hg19) VCF-style: chr5-149737359-A-G.
Other names: c.50A>G, p.His17Arg (NM_000356.4, NM_001008657.3, NM_001135243.2 and 3 more transcripts); short protein forms H17R.
Identifiers: ClinVar variation 381618 (VCV000381618.11), dbSNP rs1057521108, ClinGen allele CA16604898.